The following is an entry in ClinVar:

ClinVar aggregate classification (germline): Uncertain significance (1 of 4 stars; one submission).

Conditions:
Absence seizure. Also called: Absence epilepsy. Identifiers: Orphanet 1941, MedGen C0014553.
Myoclonic epilepsy, juvenile, susceptibility to, 1. Also called: Myoclonic Epilepsy, Juvenile, 1; EJM1. Identifiers: MedGen C1850778, MONDO:0020752, OMIM 254770.

Allele frequency attached by ClinVar (database versions not stated): gnomAD exomes below 0.00001; ExAC 0.00001.
gnomAD v4.1: 6 of 1,614,004 alleles (0.00037%); highest among the groups gnomAD compares: Non-Finnish European, 0.00051%; no homozygotes.

Submission:

Labcorp Genetics (formerly Invitae), Labcorp
Classification: Uncertain significance for Myoclonic epilepsy, juvenile, susceptibility to, 1; Absence seizure. Last evaluated: 2024-06-03. Review status: criteria provided, single submitter. Criteria: Invitae Variant Classification Sherloc (09022015). Collection method: clinical testing. Allele origin: germline.
Comment: This sequence change replaces glycine, which is neutral and non-polar, with serine, which is neutral and polar, at codon 627 of the EFHC1 protein (p.Gly627Ser). This variant is present in population databases (rs758464930, gnomAD 0.0009%). This variant has not been reported in the literature in individuals affected with EFHC1-related conditions. ClinVar contains an entry for this variant (Variation ID: 1047743). An algorithm developed to predict the effect of missense changes on protein structure and function (PolyPhen-2) suggests that this variant is likely to be tolerated. In summary, the available evidence is currently insufficient to determine the role of this variant in disease. Therefore, it has been classified as a Variant of Uncertain Significance.

NM_018100.4(EFHC1):c.1879G>A (p.Gly627Ser)

Gene: EFHC1 (EF-hand domain containing 1; plus strand). Cytogenetic location: 6p12.2.
Variant type: single nucleotide variant.
Coding change: c.1879G>A on transcript NM_018100.4 (MANE Select); coding-DNA position 1879, G replaced by A.
Protein change: p.Gly627Ser; replaces glycine 627 with serine.
Molecular consequence: missense variant. On other transcripts: non-coding transcript variant (1).
Genome position (GRCh38, 1-based): chr6:52,492,297, G>A. VCF-style: chr6-52492297-G-A. GRCh37 (hg19) VCF-style: chr6-52357095-G-A.
Other names: c.1822G>A, p.Gly608Ser (NM_001172420.2); short protein forms G608S, G627S.
Identifiers: ClinVar variation 1047743 (VCV001047743.10), dbSNP rs758464930, ClinGen allele CA3856208.